The following is an entry in ClinVar:

ClinVar aggregate classification (germline): Uncertain significance (1 of 4 stars; one submission).

Submission:

Greenwood Genetic Center Diagnostic Laboratories, Greenwood Genetic Center
Classification: Uncertain significance. Last evaluated: 2025-10-22. Review status: criteria provided, single submitter. Criteria: ACMG Guidelines, 2015. Collection method: clinical testing. Allele origin: germline. Affected: yes.
Comment: PM2

NM_001375524.1(TRRAP):c.6092_6093delinsTGC (p.Gln2031fs)

Gene: TRRAP (transformation/transcription domain associated protein; plus strand). Cytogenetic location: 7q22.1.
Variant type: Indel.
Coding change: c.6092_6093delinsTGC on transcript NM_001375524.1 (MANE Select); coding-DNA positions 6092 to 6093, AG replaced by TGC.
Protein change: p.Gln2031fs; shifts the reading frame from glutamine 2031.
Molecular consequence: frameshift variant.
Genome position (GRCh38, 1-based): chr7:98,956,300-98,956,301, AG replaced by TGC. VCF-style: chr7-98956300-AG-TGC. GRCh37 (hg19) VCF-style: chr7-98553923-AG-TGC.
Other names: c.6071_6072delinsTGC, p.Gln2024fs (NM_001244580.2); c.6017_6018delinsTGC, p.Gln2006fs (NM_003496.4); short protein forms Q2006fs, Q2024fs, Q2031fs.
Identifiers: ClinVar variation 4845590 (VCV004845590.1).